The following is an entry in ClinVar:

ClinVar aggregate classification (germline): Uncertain significance. Review status: criteria provided, multiple submitters, no conflicts (2 of 4 stars). 3 submissions from 3 submitters: Uncertain significance (3). Last evaluated 2026-01-05.

Conditions:
Cardiovascular phenotype. Identifiers: MedGen CN230736.
DiGeorge syndrome. Also called: Catch22; THIRD AND FOURTH PHARYNGEAL POUCH SYNDROME. Identifiers: Orphanet 567, MedGen C0012236, MONDO:0008564, OMIM 188400.

Allele frequency attached by ClinVar (database versions not stated): TOPMed 0.00008.
gnomAD v4.1: 36 of 1,569,900 alleles (0.0023%); highest among the groups gnomAD compares: African/African-American, 0.02%; no homozygotes.

Submissions (3):

Labcorp Genetics (formerly Invitae), Labcorp
Classification: Uncertain significance for DiGeorge syndrome. Last evaluated: 2026-01-05. Review status: criteria provided, single submitter. Criteria: Invitae Variant Classification Sherloc (09022015). Collection method: clinical testing. Allele origin: germline.
Comment: This sequence change replaces proline, which is neutral and non-polar, with glutamine, which is neutral and polar, at codon 486 of the TBX1 protein (p.Pro486Gln). This variant is present in population databases (rs762076391, gnomAD 0.02%). This variant has not been reported in the literature in individuals affected with TBX1-related conditions. ClinVar contains an entry for this variant (Variation ID: 586784). An algorithm developed to predict the effect of missense changes on protein structure and function (PolyPhen-2) suggests that this variant is likely to be disruptive. In summary, the available evidence is currently insufficient to determine the role of this variant in disease. Therefore, it has been classified as a Variant of Uncertain Significance.

Ambry Genetics
Classification: Uncertain significance for Cardiovascular phenotype. Last evaluated: 2024-07-05. Review status: criteria provided, single submitter. Criteria: Ambry Variant Classification Scheme 2023. Collection method: clinical testing. Allele origin: germline.

Athena Diagnostics
Classification: Uncertain significance. Last evaluated: 2017-11-10. Review status: criteria provided, single submitter. Criteria: Athena Diagnostics Criteria. Collection method: clinical testing. Allele origin: germline.

NM_001379200.1(TBX1):c.1484C>A (p.Pro495Gln)

Gene: TBX1 (T-box transcription factor 1; plus strand). Cytogenetic location: 22q11.21.
Variant type: single nucleotide variant.
Coding change: c.1484C>A on transcript NM_001379200.1 (MANE Select); coding-DNA position 1484, C replaced by A.
Protein change: p.Pro495Gln; replaces proline 495 with glutamine.
Molecular consequence: missense variant. On other transcripts: intron variant (2).
Genome position (GRCh38, 1-based): chr22:19,766,836, C>A. VCF-style: chr22-19766836-C-A. GRCh37 (hg19) VCF-style: chr22-19754359-C-A.
Other names: c.1457C>A, p.Pro486Gln (NM_080647.1); c.1009+834C>A (NM_005992.1, NM_080646.2); short protein forms P486Q, P495Q.
Identifiers: ClinVar variation 586784 (VCV000586784.12), dbSNP rs762076391, ClinGen allele CA10102779.